The following is an entry in ClinVar:

NM_016120.4(RLIM):c.260del (p.Asp87fs)

Gene: RLIM (ring finger protein, LIM domain interacting; minus strand). Cytogenetic location: Xq13.2.
Variant type: Deletion.
Coding change: c.260del on transcript NM_016120.4 (MANE Select); coding-DNA position 260, one base deleted (A; older notation c.260delA).
Protein change: p.Asp87fs; shifts the reading frame from aspartic acid 87.
Molecular consequence: frameshift variant.
Genome position (GRCh38, 1-based): chrX:74,593,055, T deleted on the plus strand (A on the coding strand, the reverse complement: RLIM is on the minus strand). VCF-style (leftmost placement, unchanged base first): chrX-74593054-GT-G. GRCh37 (hg19) VCF-style: chrX-73812889-GT-G.
Other names: c.260del, p.Asp87fs (NM_183353.3); short protein forms D87fs.
Identifiers: ClinVar variation 161848 (VCV000161848.2), dbSNP rs193920920, ClinGen allele CA174901.

ClinVar aggregate classification (germline): Uncertain significance (0 of 4 stars; one submission).

Conditions:
Prostate cancer. Also called: Malignant tumor of prostate. Identifiers: Orphanet 1331, MedGen C0376358, MONDO:0008315, HP:0012125.

Submission:

Science for Life laboratory,  Karolinska Institutet
Classification: Uncertain significance for Malignant tumor of prostate. Review status: no assertion criteria provided. Collection method: not provided. Allele origin: somatic.
Comment: TumorID:SWE-19
ClinVar note: Converted during submission from Unknown to Uncertain significance.